The following is an entry in ClinVar:

ClinVar aggregate classification (germline): Pathogenic. Review status: criteria provided, multiple submitters, no conflicts (2 of 4 stars). 3 submissions from 3 submitters: Pathogenic (3). Last evaluated 2024-08-27.

Conditions:
Poirier-Bienvenu neurodevelopmental syndrome (POBINDS). Identifiers: Orphanet 689397, MedGen C5231482, MONDO:0032889, OMIM 618732.

Submissions (3):

3billion
Classification: Pathogenic for Poirier-Bienvenu neurodevelopmental syndrome. Last evaluated: 2024-08-27. Review status: criteria provided, single submitter. Criteria: ACMG Guidelines, 2015. Collection method: clinical testing. Allele origin: germline. Affected: yes.
Comment: The variant is not observed in the gnomAD v4.0.0 dataset. Predicted Consequence/Location: Missense variant In silico tool predictions suggest damaging effect of the variant on gene or gene product [REVEL: 0.84 (>=0.6, sensitivity 0.68 and specificity 0.92); 3Cnet: 0.94 (>=0.6, sensitivity 0.72 and precision 0.9)]. The same nucleotide change resulting in the same amino acid change has been previously reported to be associated with CSNK2B-related disorder (ClinVar ID: VCV001685680 /PMID: 34983633). The variant has been previously reported as de novo in a similarly affected individual (PMID: 34983633). Different missense changes at the same codon (p.Asp32Ala, p.Asp32Asn, p.Asp32His) have been reported as pathogenic/likely pathogenic with strong evidence (ClinVar ID: VCV000520596, VCV003024534 /PMID: 33644862, 35571680). Therefore, this variant is classified as Pathogenic according to the recommendation of ACMG/AMP guideline.

GeneDx
Classification: Pathogenic. Last evaluated: 2024-06-29. Review status: criteria provided, single submitter. Criteria: GeneDx Variant Classification Process June 2021. Collection method: clinical testing. Allele origin: germline. Affected: yes.
Comment: Not observed at significant frequency in large population cohorts (gnomAD); In silico analysis supports that this missense variant has a deleterious effect on protein structure/function; This variant is associated with the following publications: (PMID: 34983633)

Mendelics
Classification: Pathogenic for Poirier-Bienvenu neurodevelopmental syndrome. Last evaluated: 2022-05-04. Review status: criteria provided, single submitter. Criteria: Mendelics Assertion Criteria 2019. Collection method: clinical testing. Allele origin: germline.

Literature cited by the submitters: PubMed 34983633 (cited by 3billion); PubMed 33644862 (cited by 3billion).

NM_001320.7(CSNK2B):c.94G>T (p.Asp32Tyr)

Gene: CSNK2B (casein kinase 2 beta; plus strand). Cytogenetic location: 6p21.33.
Variant type: single nucleotide variant.
Coding change: c.94G>T on transcript NM_001320.7 (MANE Select); coding-DNA position 94, G replaced by T.
Protein change: p.Asp32Tyr; replaces aspartic acid 32 with tyrosine.
Molecular consequence: missense variant.
Genome position (GRCh38, 1-based): chr6:31,667,889, G>T. VCF-style: chr6-31667889-G-T. GRCh37 (hg19) VCF-style: chr6-31635666-G-T.
Other names: c.94G>T, p.Asp32Tyr (NM_001282385.2); c.94G>T (NM_001320.6); short protein forms D32Y.
Identifiers: ClinVar variation 1685680 (VCV001685680.3), dbSNP rs1554169984, ClinGen allele CA363471811.
Genomic context (GRCh38, chr6:31,667,889, plus strand): 5'-TTTGATATGGGTTCCCTCTTGGCTTCCATGTCCTGACAGGTGGATGAAGACTACATCCAG[G>T]ACAAATTTAATCTTACTGGACTCAATGAGCAGGTCCCTCACTATCGACAAGCTCTAGACA-3'
Protein context (NP_001311.3, residues 22-42): FCEVDEDYIQ[Asp32Tyr]KFNLTGLNEQ